The following is an entry in ClinVar:

NM_001127222.2(CACNA1A):c.439G>C (p.Glu147Gln)

Gene: CACNA1A (calcium voltage-gated channel subunit alpha1 A; minus strand). Cytogenetic location: 19p13.13.
Variant type: single nucleotide variant.
Coding change: c.439G>C on transcript NM_001127222.2 (MANE Select); coding-DNA position 439, G replaced by C.
Protein change: p.Glu147Gln; replaces glutamic acid 147 with glutamine.
Molecular consequence: missense variant.
Genome position (GRCh38, 1-based): chr19:13,452,976, C>G on the plus strand (G>C on the coding strand, the complement: CACNA1A is on the minus strand). VCF-style: chr19-13452976-C-G. GRCh37 (hg19) VCF-style: chr19-13563790-C-G.
Other names: c.439G>C, p.Glu147Gln (NM_000068.4, NM_001127221.2, NM_001174080.2 and 1 more transcripts); short protein forms E147Q.
Identifiers: ClinVar variation 3361948 (VCV003361948.2).

ClinVar aggregate classification (germline): Uncertain significance (1 of 4 stars; one submission).

Submission:

GeneDx
Classification: Uncertain significance. Last evaluated: 2026-02-03. Review status: criteria provided, single submitter. Criteria: GeneDx Variant Classification Process June 2021. Collection method: clinical testing. Allele origin: germline.
Comment: Not observed at significant frequency in large population cohorts (gnomAD); In silico analysis supports a deleterious effect on splicing; In silico analysis supports that this missense variant does not alter protein structure/function; Has not been previously published as pathogenic or benign to our knowledge